The following is an entry in ClinVar:

ClinVar aggregate classification (germline): Uncertain significance (1 of 4 stars; one submission).

Conditions:
Familial thoracic aortic aneurysm and aortic dissection (TAAD). Also called: Thoracic aortic aneurysms and dissections. Identifiers: Orphanet 91387, MedGen C4707243, MONDO:0019625.

Submission:

Color Diagnostics, LLC DBA Color Health
Classification: Uncertain significance for Familial thoracic aortic aneurysm and aortic dissection. Last evaluated: 2023-12-05. Review status: criteria provided, single submitter. Criteria: ACMG Guidelines, 2015. Collection method: clinical testing. Allele origin: germline.
Comment: This missense variant replaces aspartic acid with alanine at codon 281 of the TGFBR1 protein. Computational prediction tools and conservation analyses suggest that this variant may have deleterious impact on the protein function. Computational splicing tools suggest that this variant may not impact RNA splicing. To our knowledge, functional assays have not been performed for this variant nor has this variant been reported in individuals affected with cardiovascular disorders in the literature. This variant has not been identified in the general population by the Genome Aggregation Database (gnomAD). Available evidence is insufficient to determine the role of this variant in disease conclusively. Therefore, this variant is classified as a Variant of Uncertain Significance.

NM_004612.4(TGFBR1):c.842A>C (p.Asp281Ala)

Gene: TGFBR1 (transforming growth factor beta receptor 1; plus strand). Cytogenetic location: 9q22.33.
Variant type: single nucleotide variant.
Coding change: c.842A>C on transcript NM_004612.4 (MANE Select); coding-DNA position 842, A replaced by C.
Protein change: p.Asp281Ala; replaces aspartic acid 281 with alanine.
Molecular consequence: missense variant.
Genome position (GRCh38, 1-based): chr9:99,142,572, A>C. VCF-style: chr9-99142572-A-C. GRCh37 (hg19) VCF-style: chr9-101904854-A-C.
Other names: c.611A>C, p.Asp204Ala (NM_001130916.3); c.854A>C, p.Asp285Ala (NM_001306210.2); short protein forms D204A, D281A, D285A.
Identifiers: ClinVar variation 920214 (VCV000920214.5), dbSNP rs1827647938, ClinGen allele CA374230563.